The following is an entry in ClinVar:

NC_000018.9:g.(?_55833000)_(56063501_?)del

Gene: NEDD4L (NEDD4 like E3 ubiquitin protein ligase; plus strand). Cytogenetic location: 18q21.31.
Variant type: Deletion.
Identifiers: ClinVar variation 2426123 (VCV002426123.3).

ClinVar aggregate classification (germline): Uncertain significance (1 of 4 stars; one submission).

Submission:

Labcorp Genetics (formerly Invitae), Labcorp
Classification: Uncertain significance. Last evaluated: 2022-04-10. Review status: criteria provided, single submitter. Criteria: Invitae Variant Classification Sherloc (09022015). Collection method: clinical testing. Allele origin: germline.
Comment: In summary, the available evidence is currently insufficient to determine the role of this variant in disease. Therefore, it has been classified as a Variant of Uncertain Significance. Experimental studies and prediction algorithms are not available or were not evaluated, and the functional significance of this variant is currently unknown. This variant has not been reported in the literature in individuals affected with NEDD4L-related conditions. This variant is a gross deletion of the genomic region encompassing exon(s) 2-30 of the NEDD4L gene, which includes the termination codon. This deletion extends beyond the assayed region for this gene and therefore may encompass additional genes. While this deletion is not anticipated to lead to nonsense mediated decay, it is expected to alter mRNA translation or result in a truncated protein product.